The following is an entry in ClinVar:

ClinVar aggregate classification (germline): Pathogenic/Likely pathogenic. Review status: criteria provided, multiple submitters, no conflicts (2 of 4 stars). 2 submissions from 2 submitters: Pathogenic (1); Likely pathogenic (1). Last evaluated 2024-02-24.

Conditions:
Familial hemophagocytic lymphohistiocytosis 2 (FHL2). Also called: PRF1-Related Familial Hemophagocytic Lymphohistiocytosis (PRF1-fHLH). Identifiers: Orphanet 540, MedGen C1863727, MONDO:0011337, OMIM 603553.
Aplastic anemia. Identifiers: Orphanet 182040, Orphanet 88, MedGen C0002874, MONDO:0015909, OMIM 609135, HP:0001915.

Submissions (2):

Baylor Genetics
Classification: Likely pathogenic for Aplastic anemia. Last evaluated: 2024-02-24. Review status: criteria provided, single submitter. Criteria: ACMG Guidelines, 2015. Collection method: clinical testing. Allele origin: unknown.

Labcorp Genetics (formerly Invitae), Labcorp
Classification: Pathogenic for Familial hemophagocytic lymphohistiocytosis 2. Last evaluated: 2022-09-22. Review status: criteria provided, single submitter. Criteria: Invitae Variant Classification Sherloc (09022015). Collection method: clinical testing. Allele origin: germline.
Comment: This variant disrupts a region of the PRF1 protein in which other variant(s) (p.Asp491Asn) have been determined to be pathogenic (PMID: 24390453, 25577959, 33746956). This suggests that this is a clinically significant region of the protein, and that variants that disrupt it are likely to be disease-causing. For these reasons, this variant has been classified as Pathogenic. This variant has not been reported in the literature in individuals affected with PRF1-related conditions. This sequence change creates a premature translational stop signal (p.Leu478*) in the PRF1 gene. While this is not anticipated to result in nonsense mediated decay, it is expected to disrupt the last 78 amino acid(s) of the PRF1 protein. This variant is not present in population databases (gnomAD no frequency).

Literature cited by the submitters: PubMed 24390453 (cited by Labcorp Genetics (formerly Invitae), Labcorp); PubMed 25577959 (cited by Labcorp Genetics (formerly Invitae), Labcorp); PubMed 33746956 (cited by Labcorp Genetics (formerly Invitae), Labcorp).

NM_001083116.3(PRF1):c.1422del (p.Pro477_Leu478insTer)

Gene: PRF1 (perforin 1; minus strand). Cytogenetic location: 10q22.1.
Variant type: Deletion.
Coding change: c.1422del on transcript NM_001083116.3 (MANE Select); coding-DNA position 1422, one base deleted (A; older notation c.1422delA).
Protein change: p.Pro477_Leu478insTer.
Molecular consequence: frameshift variant.
Genome position (GRCh38, 1-based): chr10:70,598,299, T deleted on the plus strand (A on the coding strand, the reverse complement: PRF1 is on the minus strand). VCF-style (leftmost placement, unchanged base first): chr10-70598298-CT-C. GRCh37 (hg19) VCF-style: chr10-72358054-CT-C.
Other names: c.1422del, p.Pro477_Leu478insTer (NM_005041.6).
Identifiers: ClinVar variation 2031901 (VCV002031901.5), dbSNP rs2493482370, ClinGen allele CA2580081783.
Genomic context (GRCh38, chr10:70,598,298, plus strand): 5'-CAAGGAGGTCATCGTCCCTGCCAGAGTCCTGATCCCAGACCTGCAACCTCAGGGGCCCCC[CT>C]GTGGCCAGGAGCACATCCCCAAAATCCAGCCGCACTGACCAGATGGGGTTGTTATTGTCC-3'